The following is an entry in ClinVar:

NM_002485.5(NBN):c.2145_2147delinsT (p.Lys715fs)

Gene: NBN (nibrin; minus strand). Cytogenetic location: 8q21.3.
Variant type: Indel.
Coding change: c.2145_2147delinsT on transcript NM_002485.5 (MANE Select); coding-DNA positions 2145 to 2147, GAA replaced by T.
Protein change: p.Lys715fs; shifts the reading frame from lysine 715.
Molecular consequence: frameshift variant.
Genome position (GRCh38, 1-based): chr8:89,943,290-89,943,292, TTC replaced by A on the plus strand (GAA replaced by T on the coding strand, the reverse complement: NBN is on the minus strand). VCF-style: chr8-89943290-TTC-A. GRCh37 (hg19) VCF-style: chr8-90955518-TTC-A.
Other names: c.1899_1901delinsT, p.Lys633fs (NM_001024688.3); short protein forms K715fs, K633fs.
Identifiers: ClinVar variation 970980 (VCV000970980.6), dbSNP rs1810033651, ClinGen allele CA1139660631.
Genomic context (GRCh38, chr8:89,943,290, plus strand): 5'-TCTGGGCCTCACTTCCTACTAACCTCCATTTCCTGCCTTAGCCACTCTTCTAGTTCTGTA[TTC>A]TTTCGAGCATGATGAGCTATTAGATCTGATCCTCCAATGATGTGTGGAAGTTTTCCTGCT-3'

ClinVar aggregate classification (germline): Pathogenic (1 of 4 stars; one submission).

Conditions:
Microcephaly, normal intelligence and immunodeficiency (NBS). Also called: Nijmegen breakage syndrome; Microcephaly with normal intelligence immunodeficiency and lymphoreticular malignancies; Nonsyndromal microcephaly autosomal recessive with normal intelligence; Seemanova syndrome 2; IMMUNODEFICIENCY, MICROCEPHALY, AND CHROMOSOMAL INSTABILITY; Ataxia telangiectasia variant V1. Identifiers: Orphanet 647, MedGen C0398791, MONDO:0009623, OMIM 251260.

Submission:

Labcorp Genetics (formerly Invitae), Labcorp
Classification: Pathogenic for Microcephaly, normal intelligence and immunodeficiency. Last evaluated: 2021-09-29. Review status: criteria provided, single submitter. Criteria: Invitae Variant Classification Sherloc (09022015). Collection method: clinical testing. Allele origin: germline.
Comment: This sequence change creates a premature translational stop signal (p.Lys715Asnfs*26) in the NBN gene. It is expected to result in an absent or disrupted protein product. Loss-of-function variants in NBN are known to be pathogenic (PMID: 9590180, 16415040). This variant is not present in population databases (ExAC no frequency). This variant has not been reported in the literature in individuals affected with NBN-related conditions. For these reasons, this variant has been classified as Pathogenic.

Literature cited by the submitters: PubMed 9590180; PubMed 16415040.